The following is an entry in ClinVar:

NM_004984.4(KIF5A):c.2713C>T (p.Arg905Cys)

Gene: KIF5A (kinesin family member 5A; plus strand). Cytogenetic location: 12q13.3.
Variant type: single nucleotide variant.
Coding change: c.2713C>T on transcript NM_004984.4 (MANE Select); coding-DNA position 2713, C replaced by T.
Protein change: p.Arg905Cys; replaces arginine 905 with cysteine.
Molecular consequence: missense variant.
Genome position (GRCh38, 1-based): chr12:57,581,130, C>T. VCF-style: chr12-57581130-C-T. GRCh37 (hg19) VCF-style: chr12-57974913-C-T.
Other names: c.2446C>T, p.Arg816Cys (NM_001354705.2); short protein forms R816C, R905C.
Identifiers: ClinVar variation 1364419 (VCV001364419.8), dbSNP rs758637368, ClinGen allele CA6653178.

ClinVar aggregate classification (germline): Uncertain significance (1 of 4 stars; one submission).

Conditions:
Spastic paraplegia. Identifiers: MedGen C0037772, HP:0001258.

Allele frequency attached by ClinVar (database versions not stated): TOPMed below 0.00001; gnomAD 0.00001; gnomAD exomes 0.00001 and 0.00002; ExAC 0.00003.
gnomAD v4.1: 8 of 1,613,978 alleles (0.0005%); highest among the groups gnomAD compares: East Asian, 0.0045%; no homozygotes.

Submission:

Labcorp Genetics (formerly Invitae), Labcorp
Classification: Uncertain significance for Spastic paraplegia. Last evaluated: 2024-12-02. Review status: criteria provided, single submitter. Criteria: Invitae Variant Classification Sherloc (09022015). Collection method: clinical testing. Allele origin: germline.
Comment: This sequence change replaces arginine, which is basic and polar, with cysteine, which is neutral and slightly polar, at codon 905 of the KIF5A protein (p.Arg905Cys). This variant is present in population databases (rs758637368, gnomAD 0.01%). This variant has not been reported in the literature in individuals affected with KIF5A-related conditions. ClinVar contains an entry for this variant (Variation ID: 1364419). Invitae Evidence Modeling of protein sequence and biophysical properties (such as structural, functional, and spatial information, amino acid conservation, physicochemical variation, residue mobility, and thermodynamic stability) has been performed for this missense variant. However, the output from this modeling did not meet the statistical confidence thresholds required to predict the impact of this variant on KIF5A protein function. In summary, the available evidence is currently insufficient to determine the role of this variant in disease. Therefore, it has been classified as a Variant of Uncertain Significance.